The following is an entry in ClinVar:

NM_012418.4(FSCN2):c.281_360del (p.Pro94fs)

Gene: FSCN2 (fascin actin-bundling protein 2, retinal; plus strand). Cytogenetic location: 17q25.3.
Variant type: Deletion.
Coding change: c.281_360del on transcript NM_012418.4 (MANE Select); coding-DNA positions 281 to 360, 80 bases deleted.
Protein change: p.Pro94fs; shifts the reading frame from proline 94.
Molecular consequence: frameshift variant.
Genome position (GRCh38, 1-based): chr17:81,528,812-81,528,891, 80 bases deleted. GRCh37 (hg19): chr17:79,495,838-79,495,917.
Other names: c.281_360del, p.Pro94fs (NM_001077182.3); short protein forms P94fs.
Identifiers: ClinVar variation 1966986 (VCV001966986.5), dbSNP rs1568074306, ClinGen allele CA628022575.

ClinVar aggregate classification (germline): Uncertain significance (1 of 4 stars; one submission).

Submission:

Labcorp Genetics (formerly Invitae), Labcorp
Classification: Uncertain significance. Last evaluated: 2025-12-20. Review status: criteria provided, single submitter. Criteria: Invitae Variant Classification Sherloc (09022015). Collection method: clinical testing. Allele origin: germline.
Comment: This sequence change creates a premature translational stop signal (p.Pro94Leufs*70) in the FSCN2 gene. It is expected to result in an absent or disrupted protein product. However, the current clinical and genetic evidence is not sufficient to establish whether loss-of-function variants in FSCN2 cause disease. This variant is present in population databases (no rsID available, gnomAD 0.002%). This variant has not been reported in the literature in individuals affected with FSCN2-related conditions. ClinVar contains an entry for this variant (Variation ID: 1966986). In summary, the available evidence is currently insufficient to determine the role of this variant in disease. Therefore, it has been classified as a Variant of Uncertain Significance.